The following is an entry in ClinVar:

ClinVar aggregate classification (germline): Pathogenic. Review status: criteria provided, multiple submitters, no conflicts (2 of 4 stars). 2 submissions from 2 submitters: Pathogenic (2). Last evaluated 2026-01-06.

Conditions:
Inherited ovarian cancer (without breast cancer).
Fanconi anemia complementation group J. Also called: BRIP1-Related Fanconi Anemia. Identifiers: Orphanet 84, MedGen C1836860, MONDO:0012187, OMIM 609054.
Familial cancer of breast. Also called: BREAST CANCER, FAMILIAL; Hereditary breast cancer; hereditary breast carcinoma. Identifiers: Orphanet 227535, MedGen C0346153, MONDO:0016419, OMIM 114480. Disease mechanism: loss of function.

Submissions (2):

Genetics Laboratory, Great Ormond Street Hospital NHS Foundation Trust, North Thames Genomic Laboratory Hub
Classification: Pathogenic for Inherited ovarian cancer (without breast cancer). Last evaluated: 2026-01-06. Review status: criteria provided, single submitter. Criteria: CanVIG Consensus Spec V3.0. Collection method: clinical testing. Allele origin: germline. Affected: yes.
Comment: PM2_moderate, PVS1_very-strong

Labcorp Genetics (formerly Invitae), Labcorp
Classification: Pathogenic for Familial cancer of breast; Fanconi anemia complementation group J. Last evaluated: 2023-02-01. Review status: criteria provided, single submitter. Criteria: Invitae Variant Classification Sherloc (09022015). Collection method: clinical testing. Allele origin: germline.
Comment: For these reasons, this variant has been classified as Pathogenic. This variant has not been reported in the literature in individuals affected with BRIP1-related conditions. This variant is not present in population databases (gnomAD no frequency). This sequence change creates a premature translational stop signal (p.Ser230Argfs*44) in the BRIP1 gene. It is expected to result in an absent or disrupted protein product. Loss-of-function variants in BRIP1 are known to be pathogenic (PMID: 16116423, 17033622, 21964575).

Literature cited by the submitters: PubMed 16116423 (cited by Labcorp Genetics (formerly Invitae), Labcorp); PubMed 17033622 (cited by Labcorp Genetics (formerly Invitae), Labcorp); PubMed 21964575 (cited by Labcorp Genetics (formerly Invitae), Labcorp).

NM_032043.3(BRIP1):c.688del (p.Ser230fs)

Gene: BRIP1 (BRCA1 interacting DNA helicase 1; minus strand). Cytogenetic location: 17q23.2.
Variant type: Deletion.
Coding change: c.688del on transcript NM_032043.3 (MANE Select); coding-DNA position 688, one base deleted (T; older notation c.688delT).
Protein change: p.Ser230fs; shifts the reading frame from serine 230.
Molecular consequence: frameshift variant.
Genome position (GRCh38, 1-based): chr17:61,808,697, A deleted on the plus strand (T on the coding strand, the reverse complement: BRIP1 is on the minus strand). VCF-style (leftmost placement, unchanged base first): chr17-61808696-GA-G. GRCh37 (hg19) VCF-style: chr17-59886057-GA-G.
Other names: short protein forms S230fs.
Identifiers: ClinVar variation 2943805 (VCV002943805.4), dbSNP rs2545199408, ClinGen allele CA2740093871.